The following is an entry in ClinVar:

ClinVar aggregate classification (germline): Uncertain significance (1 of 4 stars; one submission).

Conditions:
Cardiovascular phenotype. Identifiers: MedGen CN230736.

Submission:

Ambry Genetics
Classification: Uncertain significance for Cardiovascular phenotype. Last evaluated: 2026-03-12. Review status: criteria provided, single submitter. Criteria: Ambry Variant Classification Scheme 2023. Collection method: clinical testing. Allele origin: germline.
Comment: The p.P1375A variant (also known as c.4123C>G), located in coding exon 28 of the ABCA1 gene, results from a C to G substitution at nucleotide position 4123. The proline at codon 1375 is replaced by alanine, an amino acid with highly similar properties. This amino acid position is conserved. In addition, this alteration is predicted to be deleterious by in silico analysis. Based on the available evidence, the clinical significance of this variant remains unclear.

NM_005502.4(ABCA1):c.4123C>G (p.Pro1375Ala)

Genes: ABCA1 (ATP binding cassette subfamily A member 1; minus strand), LOC121331340 (Sharpr-MPRA regulatory region 1797; plus strand). Cytogenetic location: 9q31.1.
Variant type: single nucleotide variant.
Coding change: c.4123C>G on transcript NM_005502.4 (MANE Select); coding-DNA position 4123, C replaced by G.
Protein change: p.Pro1375Ala; replaces proline 1375 with alanine.
Molecular consequence: missense variant.
Genome position (GRCh38, 1-based): chr9:104,810,852, G>C on the plus strand (C>G on the coding strand, the complement: ABCA1 is on the minus strand). VCF-style: chr9-104810852-G-C. GRCh37 (hg19) VCF-style: chr9-107573133-G-C.
Other names: short protein forms P1375A.
Identifiers: ClinVar variation 4827616 (VCV004827616.1).